The following is an entry in ClinVar:

ClinVar aggregate classification (germline): Uncertain significance (1 of 4 stars; one submission).

Submission:

Labcorp Genetics (formerly Invitae), Labcorp
Classification: Uncertain significance. Last evaluated: 2025-08-24. Review status: criteria provided, single submitter. Criteria: Invitae Variant Classification Sherloc (09022015). Collection method: clinical testing. Allele origin: germline.
Comment: This sequence change replaces proline, which is neutral and non-polar, with threonine, which is neutral and polar, at codon 2761 of the KMT2A protein (p.Pro2761Thr). This variant is not present in population databases (gnomAD no frequency). This variant has not been reported in the literature in individuals affected with KMT2A-related conditions. Invitae Evidence Modeling of protein sequence and biophysical properties (such as structural, functional, and spatial information, amino acid conservation, physicochemical variation, residue mobility, and thermodynamic stability) indicates that this missense variant is not expected to disrupt KMT2A protein function with a negative predictive value of 95%. In summary, the available evidence is currently insufficient to determine the role of this variant in disease. Therefore, it has been classified as a Variant of Uncertain Significance.

NM_001197104.2(KMT2A):c.8281C>A (p.Pro2761Thr)

Gene: KMT2A (lysine methyltransferase 2A; plus strand). Cytogenetic location: 11q23.3.
Variant type: single nucleotide variant.
Coding change: c.8281C>A on transcript NM_001197104.2 (MANE Select); coding-DNA position 8281, C replaced by A.
Protein change: p.Pro2761Thr; replaces proline 2761 with threonine.
Molecular consequence: missense variant.
Genome position (GRCh38, 1-based): chr11:118,504,173, C>A. VCF-style: chr11-118504173-C-A. GRCh37 (hg19) VCF-style: chr11-118374888-C-A.
Other names: c.8371C>A, p.Pro2791Thr (NM_001412597.1); c.8272C>A, p.Pro2758Thr (NM_005933.4); short protein forms P2761T, P2791T, P2758T.
Identifiers: ClinVar variation 4763396 (VCV004763396.1).